The following is an entry in ClinVar:

ClinVar aggregate classification (germline): Benign/Likely benign. Review status: criteria provided, multiple submitters, no conflicts (2 of 4 stars). 6 submissions from 6 submitters: Benign (1); Likely benign (4). 1 of the submissions does not count toward it. Last evaluated 2026-01-26.

Conditions:
ABCC9-related disorder. Also called: ABCC9-related disorders; ABCC9-related condition.
Cardiovascular phenotype. Identifiers: MedGen CN230736.
Dilated cardiomyopathy 1O (CMD1O). Also called: CARDIOMYOPATHY, DILATED, WITH VENTRICULAR TACHYCARDIA. Identifiers: Orphanet 154, MedGen C1837839, MONDO:0012062, OMIM 608569.

Allele frequency attached by ClinVar (database versions not stated): gnomAD exomes 0.00002 and 0.00006; ExAC 0.00007; ESP Exome Variant Server 0.00015; 1000 Genomes Project 30x 0.00016; 1000 Genomes Project 0.00020; TOPMed 0.00034; gnomAD 0.00037 and 0.00038.
gnomAD v4.1: 89 of 1,602,844 alleles (0.0056%); highest among the groups gnomAD compares: African/African-American, 0.1%; 1 homozygote.

Submissions (6):

Labcorp Genetics (formerly Invitae), Labcorp
Classification: Likely benign for Dilated cardiomyopathy 1O. Last evaluated: 2026-01-26. Review status: criteria provided, single submitter. Criteria: Invitae Variant Classification Sherloc (09022015). Collection method: clinical testing. Allele origin: germline.

GeneDx
Classification: Likely benign. Last evaluated: 2020-10-12. Review status: criteria provided, single submitter. Criteria: GeneDx Variant Classification Process June 2021. Collection method: clinical testing. Allele origin: germline. Affected: yes.

Women's Health and Genetics/Laboratory Corporation of America, LabCorp
Classification: Benign. Last evaluated: 2019-11-02. Review status: criteria provided, single submitter. Criteria: LabCorp Variant Classification Summary - May 2015. Collection method: clinical testing. Allele origin: germline.

Ambry Genetics
Classification: Likely benign for Cardiovascular phenotype. Last evaluated: 2016-12-29. Review status: criteria provided, single submitter. Criteria: Ambry Variant Classification Scheme 2023. Collection method: clinical testing. Allele origin: germline.

Laboratory for Molecular Medicine, Mass General Brigham Personalized Medicine
Classification: Likely benign. Last evaluated: 2012-03-19. Review status: criteria provided, single submitter. Criteria: LMM Criteria. Collection method: clinical testing. Allele origin: germline. Observed: 1 variant allele.
Comment: Thr400Thr in exon 8 of ABCC9: This variant is not expected to have clinical sign ificance because it does not alter an amino acid residue, is not located within the splice consensus sequence. It has been identified in 0.1% (3/3738) of Africa n American chromosomes from a broad population by the NHLBI Exome Sequencing Pro ject (dbSNP rs150096625). Thr400Thr in exon 8 of ABCC9 (rs150096625; allele frequency = 0.1%, 1/3738) **

PreventionGenetics, part of Exact Sciences
Classification: Likely benign for ABCC9-related condition. Last evaluated: 2019-11-18. Review status: no assertion criteria provided. Collection method: clinical testing. Allele origin: germline. Not counted in ClinVar's aggregate classification.
Comment: This variant is classified as likely benign based on ACMG/AMP sequence variant interpretation guidelines (Richards et al. 2015 PMID: 25741868, with internal and published modifications).

NM_020297.4(ABCC9):c.1200G>A (p.Thr400=)

Gene: ABCC9 (ATP binding cassette subfamily C member 9; minus strand). Cytogenetic location: 12p12.1.
Variant type: single nucleotide variant.
Coding change: c.1200G>A on transcript NM_020297.4 (MANE Select); coding-DNA position 1200, G replaced by A.
Protein change: p.Thr400=; no amino-acid change (threonine 400 retained).
Molecular consequence: synonymous variant.
Genome position (GRCh38, 1-based): chr12:21,910,277, C>T on the plus strand (G>A on the coding strand, the complement: ABCC9 is on the minus strand). VCF-style: chr12-21910277-C-T. GRCh37 (hg19) VCF-style: chr12-22063211-C-T.
Other names: c.1200G>A, p.Thr400= (NM_001377273.1, NM_005691.4); c.336G>A, p.Thr112= (NM_001377274.1); c.1200G>A (NM_020297.3).
Identifiers: ClinVar variation 178002 (VCV000178002.23), dbSNP rs150096625, ClinGen allele CA181151.